The following is an entry in ClinVar:

NM_006231.4(POLE):c.5032C>T (p.Gln1678Ter)

Gene: POLE (DNA polymerase epsilon, catalytic subunit; minus strand). Cytogenetic location: 12q24.33.
Variant type: single nucleotide variant.
Coding change: c.5032C>T on transcript NM_006231.4 (MANE Select); coding-DNA position 5032, C replaced by T.
Protein change: p.Gln1678Ter; replaces glutamine 1678 with a stop codon.
Molecular consequence: nonsense.
Genome position (GRCh38, 1-based): chr12:132,642,318, G>A on the plus strand (C>T on the coding strand, the complement: POLE is on the minus strand). VCF-style: chr12-132642318-G-A. GRCh37 (hg19) VCF-style: chr12-133218904-G-A.
Other names: short protein forms Q1678*.
Identifiers: ClinVar variation 486964 (VCV000486964.18), dbSNP rs1301816028, ClinGen allele CA387377268.
Genomic context (GRCh38, chr12:132,642,318, plus strand): 5'-CCTTTCCACCCAGGTCAGGGCGGGCTGTAGGGGACAGCCAGAGCAGGTGGTTGTGGCGCT[G>A]GAGGTGGCGGGCAAAGAAGAGGTCGGAGCCGAATGTGGAGATGTCCTCTGGTAGGTTCCC-3'

ClinVar aggregate classification (germline): Conflicting classifications of pathogenicity. Review status: criteria provided, conflicting classifications (1 of 4 stars). 5 submissions from 5 submitters: Pathogenic (2); Likely pathogenic (1); Uncertain significance (2). Last evaluated 2026-01-09.

Conditions:
Hereditary cancer-predisposing syndrome. Also called: Tumor predisposition; Hereditary Cancer Syndrome; Neoplastic Syndromes, Hereditary; Hereditary neoplastic syndrome. Identifiers: Orphanet 140162, MedGen C0027672, MeSH D009386, MONDO:0015356.
Intrauterine growth retardation, metaphyseal dysplasia, adrenal hypoplasia congenita, genital anomalies, and immunodeficiency. Also called: IMAGEI SYNDROME. Identifiers: MedGen C5193036, MONDO:0032684, OMIM 618336.

Allele frequency attached by ClinVar (database versions not stated): TOPMed 0.00001; gnomAD 0.00001.
gnomAD v4.1: 1 of 1,598,748 alleles (0.000063%); highest among the groups gnomAD compares: Non-Finnish European, 0.000085%; no homozygotes.

Submissions (5):

Ambry Genetics
Classification: Uncertain significance for Hereditary cancer-predisposing syndrome. Last evaluated: 2026-01-09. Review status: criteria provided, single submitter. Criteria: Ambry Variant Classification Scheme 2023. Collection method: clinical testing. Allele origin: germline.
Comment: The p.Q1678* variant (also known as c.5032C>T), located in coding exon 38 of the POLE gene, results from a C to T substitution at nucleotide position 5032. This changes the amino acid from a glutamine to a stop codon within coding exon 38. This alteration is expected to result in loss of function by premature protein truncation or nonsense-mediated mRNA decay. position 1678. Although biallelic loss of function of POLE has been associated with autosomal recessive POLE deficiency, haploinsufficiency of POLE has not been established as a mechanism of disease for POLE-related polymerase proofreading-associated polyposis (PPAP) and POLE-related CMMRD-like syndrome. Based on the supporting evidence, this variant is expected to be causative of POLE deficiency when present along with a second pathogenic variant on the other allele; however, its clinical significance for PPAP and POLE-related CMMRD-like syndrome is unclear.

Labcorp Genetics (formerly Invitae), Labcorp
Classification: Pathogenic. Last evaluated: 2025-03-20. Review status: criteria provided, single submitter. Criteria: Invitae Variant Classification Sherloc (09022015). Collection method: clinical testing. Allele origin: germline.
Comment: This sequence change creates a premature translational stop signal (p.Gln1678*) in the POLE gene. It is expected to result in an absent or disrupted protein product. Loss-of-function variants in POLE are known to be pathogenic (PMID: 23230001, 25948378, 30503519). This variant is not present in population databases (gnomAD no frequency). This variant has not been reported in the literature in individuals affected with POLE-related conditions. ClinVar contains an entry for this variant (Variation ID: 486964). For these reasons, this variant has been classified as Pathogenic.

GeneDx
Classification: Likely pathogenic. Last evaluated: 2023-05-11. Review status: criteria provided, single submitter. Criteria: GeneDx Variant Classification Process June 2021. Collection method: clinical testing. Allele origin: germline. Affected: yes.
Comment: Nonsense variant predicted to result in protein truncation or nonsense mediated decay in a gene for which loss of function is a known mechanism of disease; Not observed at significant frequency in large population cohorts (gnomAD); Has not been previously published as pathogenic or benign to our knowledge; This variant is associated with the following publications: (PMID: 30503519, 23230001, 25948378, 29056344)

Greenwood Genetic Center Diagnostic Laboratories, Greenwood Genetic Center
Classification: Pathogenic for Intrauterine growth retardation, metaphyseal dysplasia, adrenal hypoplasia congenita, genital anomalies, and immunodeficiency. Last evaluated: 2022-08-29. Review status: criteria provided, single submitter. Criteria: ACMG Guidelines, 2015. Collection method: clinical testing. Allele origin: germline. Affected: yes.
Comment: PVS1, PM2, PM3

Quest Diagnostics Nichols Institute San Juan Capistrano
Classification: Uncertain significance. Last evaluated: 2020-01-21. Review status: criteria provided, single submitter. Criteria: Quest Diagnostics criteria. Collection method: clinical testing. Allele origin: unknown.

Literature cited by the submitters: PubMed 23230001 (cited by Labcorp Genetics (formerly Invitae), Labcorp); PubMed 25948378 (cited by Labcorp Genetics (formerly Invitae), Labcorp); PubMed 30503519 (cited by Labcorp Genetics (formerly Invitae), Labcorp); PubMed 29056344 (cited by Quest Diagnostics Nichols Institute San Juan Capistrano).